The following is an entry in ClinVar:

NM_198253.3(TERT):c.456G>C (p.Leu152=)

Gene: TERT (telomerase reverse transcriptase; minus strand). Cytogenetic location: 5p15.33.
Variant type: single nucleotide variant.
Coding change: c.456G>C on transcript NM_198253.3 (MANE Select); coding-DNA position 456, G replaced by C.
Protein change: p.Leu152=; no amino-acid change (leucine 152 retained).
Molecular consequence: synonymous variant. On other transcripts: non-coding transcript variant (2).
Genome position (GRCh38, 1-based): chr5:1,294,430, C>G on the plus strand (G>C on the coding strand, the complement: TERT is on the minus strand). VCF-style: chr5-1294430-C-G. GRCh37 (hg19) VCF-style: chr5-1294545-C-G.
Other names: c.456G>C, p.Leu152= (NM_001193376.3).
Identifiers: ClinVar variation 1099645 (VCV001099645.12), dbSNP rs757121533, ClinGen allele CA3184975.

ClinVar aggregate classification (germline): Conflicting classifications of pathogenicity. Review status: criteria provided, conflicting classifications (1 of 4 stars). 3 submissions from 3 submitters: Uncertain significance (1); Likely benign (2). Last evaluated 2023-08-30.

Conditions:
Dyskeratosis congenita, autosomal dominant 2. Identifiers: MedGen C3151443, MONDO:0013521, OMIM 613989.
Idiopathic Pulmonary Fibrosis. Also called: Idiopathic fibrosing alveolitis, chronic form; idiopathic fibrosing alveolitis. Identifiers: Orphanet 2032, MedGen C1800706, MeSH D054990, MONDO:0800504.
Dyskeratosis congenita. Identifiers: Orphanet 1775, MedGen C0265965, MONDO:0015780.

Allele frequency attached by ClinVar (database versions not stated): gnomAD exomes below 0.00001; gnomAD 0.00001; TOPMed 0.00001; ExAC 0.00002.
gnomAD v4.1: 5 of 1,592,040 alleles (0.00031%); highest among the groups gnomAD compares: African/African-American, 0.0027%; no homozygotes.

Submissions (3):

Labcorp Genetics (formerly Invitae), Labcorp
Classification: Likely benign for Dyskeratosis congenita, autosomal dominant 2; Idiopathic Pulmonary Fibrosis. Last evaluated: 2023-08-30. Review status: criteria provided, single submitter. Criteria: Invitae Variant Classification Sherloc (09022015). Collection method: clinical testing. Allele origin: germline.

Ambry Genetics
Classification: Likely benign for Dyskeratosis congenita. Last evaluated: 2022-02-23. Review status: criteria provided, single submitter. Criteria: Ambry Variant Classification Scheme 2023. Collection method: clinical testing. Allele origin: germline.

Sema4
Classification: Uncertain significance for Dyskeratosis congenita. Last evaluated: 2021-09-13. Review status: criteria provided, single submitter. Criteria: Sema4 Curation Guidelines. Collection method: curation. Allele origin: germline.
Comment: The TERT c.456G>C (L152=) variant has not been reported in the literature to our knowledge. It was observed in 1/210760 chromosomes in the large and broad cohorts of the Genome Aggregation Database (PMID: 32461654). The variant has been reported in ClinVar (Variation ID 1099645). In silico tools suggest that the affected nucleotide is conserved and that the variant does not have an impact on splicing, though these predictions have not been confirmed by functional studies. The evidence is insufficient to meet ACMG/AMP criteria for classifying the variant as benign or pathogenic. Thus, the clinical significance of this variant is currently uncertain.